The following is an entry in ClinVar:

ClinVar aggregate classification (germline): Pathogenic (1 of 4 stars; one submission).

Submission:

Ambry Genetics
Classification: Pathogenic. Last evaluated: 2024-11-07. Review status: criteria provided, single submitter. Criteria: Ambry Variant Classification Scheme 2023. Collection method: clinical testing. Allele origin: germline.
Comment: The c.1522C>T (p.Q508*) alteration, located in exon 6 (coding exon 4) of the BICRA gene, consists of a C to T substitution at nucleotide position 1522. This changes the amino acid from a glutamine (Q) to a stop codon at amino acid position 508. This alteration is expected to result in loss of function by premature protein truncation or nonsense-mediated mRNA decay. This variant was not reported in population-based cohorts in the Genome Aggregation Database (gnomAD). Based on the available evidence, this alteration is classified as pathogenic.

NM_001394372.1(BICRA):c.1522C>T (p.Gln508Ter)

Gene: BICRA (BRD4 interacting chromatin remodeling complex associated protein; plus strand). Cytogenetic location: 19q13.33.
Variant type: single nucleotide variant.
Coding change: c.1522C>T on transcript NM_001394372.1 (MANE Select); coding-DNA position 1522, C replaced by T.
Protein change: p.Gln508Ter; replaces glutamine 508 with a stop codon.
Molecular consequence: nonsense.
Genome position (GRCh38, 1-based): chr19:47,680,692, C>T. VCF-style: chr19-47680692-C-T. GRCh37 (hg19) VCF-style: chr19-48183949-C-T.
Other names: c.1522C>T, p.Gln508Ter (NM_015711.3); short protein forms Q508*.
Identifiers: ClinVar variation 3480632 (VCV003480632.1).